The following is an entry in ClinVar:

NM_001370658.1(BTD):c.134A>G (p.His45Arg)

Gene: BTD (biotinidase; plus strand). Cytogenetic location: 3p25.1.
Variant type: single nucleotide variant.
Coding change: c.134A>G on transcript NM_001370658.1 (MANE Select); coding-DNA position 134, A replaced by G.
Protein change: p.His45Arg; replaces histidine 45 with arginine.
Molecular consequence: missense variant.
Genome position (GRCh38, 1-based): chr3:15,635,573, A>G. VCF-style: chr3-15635573-A-G. GRCh37 (hg19) VCF-style: chr3-15677080-A-G.
Other names: c.194A>G, p.His65Arg (NM_000060.4); c.134A>G, p.His45Arg (NM_001281723.4, NM_001281724.3, NM_001407365.1 and 37 more transcripts); short protein forms H45R.
Identifiers: ClinVar variation 3720444 (VCV003720444.3), dbSNP rs397514341.
Genomic context (GRCh38, chr3:15,635,573, plus strand): 5'-GGGAGGAGAGCGTGGCTGACCATCACGAGGCTGAATATTATGTGGCTGCCGTGTATGAGC[A>G]TCCATCCATCCTGAGTCTGAACCCTCTGGCTCTCATCAGCCGCCAAGAGGCCTTGGAGCT-3'
Protein context (NP_001357587.1, residues 35-55): AEYYVAAVYE[His45Arg]PSILSLNPLA

ClinVar aggregate classification (germline): Conflicting classifications of pathogenicity. Review status: criteria provided, conflicting classifications (1 of 4 stars). 2 submissions from 2 submitters: Pathogenic (1); Uncertain significance (1). Last evaluated 2025-12-12.

Conditions:
Biotinidase deficiency. Also called: BTD deficiency; Late-onset biotin-responsive multiple carboxylase deficiency; Biotin deficiency. Identifiers: Orphanet 79241, MedGen C0220754, MONDO:0009665, OMIM 253260.

gnomAD v4.1: 1 of 1,614,200 alleles (0.000062%); highest among the groups gnomAD compares: Non-Finnish European, 0.000085%; no homozygotes.

Submissions (2):

Myriad Genetics, Inc.
Classification: Uncertain significance for Biotinidase deficiency. Last evaluated: 2025-12-12. Review status: criteria provided, single submitter. Criteria: Myriad Autosomal Dominant, Autosomal Recessive and X-Linked Classification Criteria (2023). Collection method: clinical testing. Allele origin: unknown.
Comment: NM_000060.2(BTD):c.194A>G(H65R) is a missense variant classified as a variant of uncertain significance in the context of biotinidase deficiency. H65R has been observed in a case with relevant disease (PMID: 19757147). Relevant functional assessments of this variant are not available in the literature. H65R has not been observed in referenced population frequency databases. In summary, there is insufficient evidence to classify NM_000060.2(BTD):c.194A>G(H65R) as pathogenic or benign. Please note: this variant was assessed in the context of healthy population screening.

Labcorp Genetics (formerly Invitae), Labcorp
Classification: Pathogenic for Biotinidase deficiency. Last evaluated: 2024-10-21. Review status: criteria provided, single submitter. Criteria: Invitae Variant Classification Sherloc (09022015). Collection method: clinical testing. Allele origin: germline.
Comment: This sequence change replaces histidine, which is basic and polar, with arginine, which is basic and polar, at codon 65 of the BTD protein (p.His65Arg). This variant is not present in population databases (gnomAD no frequency). This missense change has been observed in individual(s) with biotinidase deficiency (PMID: 19757147; internal data). In at least one individual the data is consistent with being in trans (on the opposite chromosome) from a pathogenic variant. Invitae Evidence Modeling of protein sequence and biophysical properties (such as structural, functional, and spatial information, amino acid conservation, physicochemical variation, residue mobility, and thermodynamic stability) indicates that this missense variant is expected to disrupt BTD protein function with a positive predictive value of 95%. For these reasons, this variant has been classified as Pathogenic.

Literature cited by the submitters: PubMed 19757147 (cited by Myriad Genetics, Inc. and Labcorp Genetics (formerly Invitae), Labcorp).